The following is an entry in ClinVar:

NM_002742.3(PRKD1):c.754T>C (p.Tyr252His)

Gene: PRKD1 (protein kinase D1; minus strand). Cytogenetic location: 14q12.
Variant type: single nucleotide variant.
Coding change: c.754T>C on transcript NM_002742.3 (MANE Select); coding-DNA position 754, T replaced by C.
Protein change: p.Tyr252His; replaces tyrosine 252 with histidine.
Molecular consequence: missense variant.
Genome position (GRCh38, 1-based): chr14:29,638,847, A>G on the plus strand (T>C on the coding strand, the complement: PRKD1 is on the minus strand). VCF-style: chr14-29638847-A-G. GRCh37 (hg19) VCF-style: chr14-30108053-A-G.
Other names: c.778T>C, p.Tyr260His (NM_001330069.2); c.490T>C, p.Tyr164His (NM_001348390.1); c.754T>C (NM_002742.2); short protein forms Y164H, Y252H, Y260H.
Identifiers: ClinVar variation 2634897 (VCV002634897.3), dbSNP rs750955192, ClinGen allele CA7141377.

ClinVar aggregate classification (germline): Uncertain significance. Review status: criteria provided, multiple submitters, no conflicts (2 of 4 stars). 2 submissions from 2 submitters: Uncertain significance (2). Last evaluated 2025-01-29.

Conditions:
PRKD1-related disorder. Also called: PRKD1-related condition.

Allele frequency attached by ClinVar (database versions not stated): gnomAD exomes below 0.00001; ExAC 0.00002.
gnomAD v4.1: 3 of 1,400,074 alleles (0.00021%); highest among the groups gnomAD compares: East Asian, 0.003%; no homozygotes.

Submissions (2):

PreventionGenetics, part of Exact Sciences
Classification: Uncertain significance for PRKD1-related condition. Last evaluated: 2025-01-29. Review status: criteria provided, single submitter. Criteria: ACMG Guidelines, 2015. Collection method: clinical testing. Allele origin: germline.
Comment: The PRKD1 c.778T>C variant is predicted to result in the amino acid substitution p.Tyr260His. To our knowledge, this variant has not been reported in the literature. This variant was reported in 0.016% of alleles in individuals of East Asian descent in gnomAD v2 (as displayed in the table above). However, in gnomAD v4 (available only on GRCh38), this variant is reported in 0.003% of alleles in individuals of East Asian descent, including zero homozygotes. At this time, the clinical significance of this variant is uncertain due to the absence of conclusive functional and genetic evidence.

Ambry Genetics
Classification: Uncertain significance. Last evaluated: 2024-07-02. Review status: criteria provided, single submitter. Criteria: Ambry Variant Classification Scheme 2023. Collection method: clinical testing. Allele origin: germline.